The following is an entry in ClinVar:

NM_001199107.2(TBC1D24):c.-115-244T>A

Gene: TBC1D24 (TBC1 domain family member 24; plus strand). Cytogenetic location: 16p13.3.
Variant type: single nucleotide variant.
Coding change: c.-115-244T>A on transcript NM_001199107.2 (MANE Select); 244 bases into the intron before 115 bases upstream of the start codon, T replaced by A.
Molecular consequence: intron variant.
Genome position (GRCh38, 1-based): chr16:2,495,790, T>A. VCF-style: chr16-2495790-T-A. GRCh37 (hg19) VCF-style: chr16-2545791-T-A.
Other names: c.-115-244T>A (NM_020705.3).
Identifiers: ClinVar variation 677586 (VCV000677586.1), dbSNP rs59034110, ClinGen allele CA276809566.

ClinVar aggregate classification (germline): Likely benign (1 of 4 stars; one submission).

Allele frequency attached by ClinVar (database versions not stated): gnomAD 0.00811 and 0.00861; TOPMed 0.00932; 1000 Genomes Project 0.01158; 1000 Genomes Project 30x 0.01171.

Submission:

GeneDx
Classification: Likely benign. Last evaluated: 2018-06-19. Review status: criteria provided, single submitter. Criteria: GeneDx Variant Classification (06012015). Collection method: clinical testing. Allele origin: germline. Affected: yes.
Comment: This variant is considered likely benign or benign based on one or more of the following criteria: it is a conservative change, it occurs at a poorly conserved position in the protein, it is predicted to be benign by multiple in silico algorithms, and/or has population frequency not consistent with disease.